The following is an entry in ClinVar:

NM_031935.3(HMCN1):c.8342G>A (p.Gly2781Asp)

Gene: HMCN1 (hemicentin 1; plus strand). Cytogenetic location: 1q31.1.
Variant type: single nucleotide variant.
Coding change: c.8342G>A on transcript NM_031935.3 (MANE Select); coding-DNA position 8342, G replaced by A.
Protein change: p.Gly2781Asp; replaces glycine 2781 with aspartic acid.
Molecular consequence: missense variant.
Genome position (GRCh38, 1-based): chr1:186,076,479, G>A. VCF-style: chr1-186076479-G-A. GRCh37 (hg19) VCF-style: chr1-186045611-G-A.
Other names: short protein forms G2781D.
Identifiers: ClinVar variation 2069459 (VCV002069459.4), dbSNP rs143266620, ClinGen allele CA1293095.

ClinVar aggregate classification (germline): Uncertain significance (1 of 4 stars; one submission).

Allele frequency attached by ClinVar (database versions not stated): gnomAD exomes 0.00001; ExAC 0.00002; gnomAD 0.00005; TOPMed 0.00007; ESP Exome Variant Server 0.00008.
gnomAD v4.1: 23 of 1,613,530 alleles (0.0014%); highest among the groups gnomAD compares: African/African-American, 0.027%; no homozygotes.

Submission:

Labcorp Genetics (formerly Invitae), Labcorp
Classification: Uncertain significance. Last evaluated: 2025-07-31. Review status: criteria provided, single submitter. Criteria: Invitae Variant Classification Sherloc (09022015). Collection method: clinical testing. Allele origin: germline.
Comment: This sequence change replaces glycine, which is neutral and non-polar, with aspartic acid, which is acidic and polar, at codon 2781 of the HMCN1 protein (p.Gly2781Asp). This variant is present in population databases (rs143266620, gnomAD 0.02%). This variant has not been reported in the literature in individuals affected with HMCN1-related conditions. ClinVar contains an entry for this variant (Variation ID: 2069459). An algorithm developed to predict the effect of missense changes on protein structure and function (PolyPhen-2) suggests that this variant is likely to be disruptive. In summary, the available evidence is currently insufficient to determine the role of this variant in disease. Therefore, it has been classified as a Variant of Uncertain Significance.